The following is an entry in ClinVar:

NM_000091.5(COL4A3):c.2449C>A (p.Gln817Lys)

Genes: COL4A3 (collagen type IV alpha 3 chain; plus strand), MFF-DT (MFF divergent transcript; minus strand). Cytogenetic location: 2q36.3.
Variant type: single nucleotide variant.
Coding change: c.2449C>A on transcript NM_000091.5 (MANE Select); coding-DNA position 2449, C replaced by A.
Protein change: p.Gln817Lys; replaces glutamine 817 with lysine.
Molecular consequence: missense variant.
Genome position (GRCh38, 1-based): chr2:227,280,967, C>A. VCF-style: chr2-227280967-C-A. GRCh37 (hg19) VCF-style: chr2-228145683-C-A.
Other names: short protein forms Q817K.
Identifiers: ClinVar variation 4995865 (VCV004995865.1).

ClinVar aggregate classification (germline): Uncertain significance (1 of 4 stars; one submission).

Conditions:
COL4A3-related disorder. Also called: COL4A3-Related Disorders; COL4A3-related condition.

Submission:

PreventionGenetics, part of Exact Sciences
Classification: Uncertain significance for COL4A3-related condition. Last evaluated: 2026-01-12. Review status: criteria provided, single submitter. Criteria: ACMG Guidelines, 2015. Collection method: clinical testing. Allele origin: germline.
Comment: The COL4A3 c.2449C>A variant is predicted to result in the amino acid substitution p.Gln817Lys. To our knowledge, this variant has not been reported in the literature or in a large population database (gnomAD), indicating this variant is rare. At this time, the clinical significance of this variant is uncertain due to the absence of conclusive functional and genetic evidence.